The following is an entry in ClinVar:

ClinVar aggregate classification (germline): Uncertain significance. Review status: criteria provided, multiple submitters, no conflicts (2 of 4 stars). 2 submissions from 2 submitters: Uncertain significance (2). Last evaluated 2025-09-10.

Conditions:
Hereditary cancer-predisposing syndrome. Also called: Neoplastic Syndromes, Hereditary; Hereditary neoplastic syndrome; Tumor predisposition; Hereditary Cancer Syndrome. Identifiers: Orphanet 140162, MedGen C0027672, MeSH D009386, MONDO:0015356.
Pheochromocytoma/paraganglioma syndrome 2. Also called: SDHAF2-Related Hereditary Paraganglioma-Pheochromocytoma Syndrome (Paragangliomas 2); SDHAF2-Related Hereditary Paraganglioma-Pheochromocytoma Syndrome; GLOMUS TUMORS, FAMILIAL, 2; Paragangliomas 2. Identifiers: Orphanet 29072, MedGen C1866552, MONDO:0011121, OMIM 601650.

Submissions (2):

Genomic Medicine Center of Excellence, King Faisal Specialist Hospital and Research Centre
Classification: Uncertain significance for Pheochromocytoma/paraganglioma syndrome 2. Last evaluated: 2025-09-10. Review status: criteria provided, single submitter. Criteria: ACMG Guidelines, 2015. Collection method: clinical testing. Allele origin: germline.

Ambry Genetics
Classification: Uncertain significance for Hereditary cancer-predisposing syndrome. Last evaluated: 2024-03-22. Review status: criteria provided, single submitter. Criteria: Ambry Variant Classification Scheme 2023. Collection method: clinical testing. Allele origin: germline.
Comment: The p.M1? variant (also known as c.1A>G) is located in coding exon 1 of the SDHAF2 gene and results from a A to G substitution at nucleotide position 1. This alters the methionine residue at the initiation codon (ATG). Variations that modify the initiation codon are expected to result in either loss of translation initiation, N-terminal truncation, or cause a shift in the mRNA reading frame; however, there is an in-frame methionine 12 amino acids from the initiation site, which may result in N-terminal truncation of unknown functional significance. Since supporting evidence is limited at this time, the clinical significance of this alteration remains unclear.

NM_017841.4(SDHAF2):c.1A>G (p.Met1Val)

Gene: SDHAF2 (succinate dehydrogenase complex assembly factor 2; plus strand). Cytogenetic location: 11q12.2.
Variant type: single nucleotide variant.
Coding change: c.1A>G on transcript NM_017841.4 (MANE Select); coding-DNA position 1, A replaced by G.
Protein change: p.Met1Val; changes the start codon (methionine 1).
Molecular consequence: missense variant, initiator codon variant.
Genome position (GRCh38, 1-based): chr11:61,430,147, A>G. VCF-style: chr11-61430147-A-G. GRCh37 (hg19) VCF-style: chr11-61197619-A-G.
Other names: short protein forms M1V.
Identifiers: ClinVar variation 3316870 (VCV003316870.2).